The following is an entry in ClinVar:

ClinVar aggregate classification (germline): Uncertain significance (1 of 4 stars; one submission).

gnomAD v4.1: 1 of 1,614,244 alleles (0.000062%); highest among the groups gnomAD compares: Non-Finnish European, 0.000085%; no homozygotes.

Submission:

CeGaT Center for Human Genetics Tuebingen
Classification: Uncertain significance. Last evaluated: 2026-04-01. Review status: criteria provided, single submitter. Criteria: CeGaT Center For Human Genetics Tuebingen Variant Classification Criteria Version 2. Collection method: clinical testing. Allele origin: germline. Affected: yes. Observed: 1 variant allele.
Comment: SATB1: PM2:Supporting, PM6:Supporting, PS4:Supporting

NM_002971.6(SATB1):c.1730A>G (p.His577Arg)

Gene: SATB1 (SATB homeobox 1; minus strand). Cytogenetic location: 3p24.3.
Variant type: single nucleotide variant.
Coding change: c.1730A>G on transcript NM_002971.6 (MANE Select); coding-DNA position 1730, A replaced by G.
Protein change: p.His577Arg; replaces histidine 577 with arginine.
Molecular consequence: missense variant.
Genome position (GRCh38, 1-based): chr3:18,352,041, T>C on the plus strand (A>G on the coding strand, the complement: SATB1 is on the minus strand). VCF-style: chr3-18352041-T-C. GRCh37 (hg19) VCF-style: chr3-18393533-T-C.
Other names: c.1730A>G, p.His577Arg (NM_001131010.4, NM_001195470.3, NM_001322871.2 and 4 more transcripts); c.1514A>G, p.His505Arg (NM_001322876.2); short protein forms H505R, H577R.
Identifiers: ClinVar variation 4874134 (VCV004874134.2).